The following is an entry in ClinVar:

ClinVar aggregate classification (germline): Conflicting classifications of pathogenicity. Review status: criteria provided, conflicting classifications (1 of 4 stars). 2 submissions from 2 submitters: Uncertain significance (1); Benign (1). Last evaluated 2026-01-15.

Allele frequency attached by ClinVar (database versions not stated): ExAC 0.00003; gnomAD 0.00003; gnomAD exomes 0.00003; TOPMed 0.00004.
gnomAD v4.1: 19 of 1,613,750 alleles (0.0012%); highest among the groups gnomAD compares: Admixed American, 0.032%; no homozygotes.

Submissions (2):

Labcorp Genetics (formerly Invitae), Labcorp
Classification: Benign. Last evaluated: 2026-01-15. Review status: criteria provided, single submitter. Criteria: Invitae Variant Classification Sherloc (09022015). Collection method: clinical testing. Allele origin: germline.

Women's Health and Genetics/Laboratory Corporation of America, LabCorp
Classification: Uncertain significance. Last evaluated: 2025-12-17. Review status: criteria provided, single submitter. Criteria: LabCorp Variant Classification Summary - May 2015. Collection method: clinical testing. Allele origin: germline.
Comment: Variant summary: CACNA1G c.4366G>A (p.Ala1456Thr) results in a non-conservative amino acid change in the encoded protein sequence. Algorithms developed to predict the effect of missense changes on protein structure and function are either unavailable or do not agree on the potential impact of this missense change. The variant allele was found at a frequency of 5.2e-05 in 249148 control chromosomes. This frequency is not significantly higher than estimated for disease-causing variants in CACNA1G, allowing no conclusion about variant significance. To our knowledge, no occurrence of c.4366G>A in individuals affected with CACNA1G-related conditions and no experimental evidence demonstrating its impact on protein function have been reported. ClinVar contains an entry for this variant (Variation ID: 2069408). Based on the evidence outlined above, the variant was classified as uncertain significance.

NM_018896.5(CACNA1G):c.4366G>A (p.Ala1456Thr)

Gene: CACNA1G (calcium voltage-gated channel subunit alpha1 G; plus strand). Cytogenetic location: 17q21.33.
Variant type: single nucleotide variant.
Coding change: c.4366G>A on transcript NM_018896.5 (MANE Select); coding-DNA position 4366, G replaced by A.
Protein change: p.Ala1456Thr; replaces alanine 1456 with threonine.
Molecular consequence: missense variant. On other transcripts: non-coding transcript variant (5).
Genome position (GRCh38, 1-based): chr17:50,605,967, G>A. VCF-style: chr17-50605967-G-A. GRCh37 (hg19) VCF-style: chr17-48683328-G-A.
Other names: c.4366G>A, p.Ala1456Thr (NM_001256324.2, NM_001256325.2, NM_001256326.2 and 16 more transcripts); c.4297G>A, p.Ala1433Thr (NM_001256332.2, NM_198376.3, NM_198379.3 and 5 more transcripts); short protein forms A1456T, A1433T.
Identifiers: ClinVar variation 2069408 (VCV002069408.5), dbSNP rs751896733, ClinGen allele CA8653003.
Genomic context (GRCh38, chr17:50,605,967, plus strand): 5'-GGGAAGTTTTTCGTGTGCCAGGGCGAGGATACCAGGAACATCACCAATAAATCGGACTGT[G>A]CCGAGGCCAGTTACCGGTGGGTCCGGCACAAGTACAACTTTGACAACCTTGGCCAGGTGA-3'
Protein context (NP_061496.2, residues 1446-1466): TRNITNKSDC[Ala1456Thr]EASYRWVRHK